The following is an entry in ClinVar:

ClinVar aggregate classification (germline): Uncertain significance. Review status: criteria provided, multiple submitters, no conflicts (2 of 4 stars). 3 submissions from 3 submitters: Uncertain significance (2). 1 of the submissions does not count toward it. Last evaluated 2024-04-01.

Conditions:
CDK5RAP2-related disorder. Also called: CDK5RAP2-related condition.

Allele frequency attached by ClinVar (database versions not stated): gnomAD exomes 0.00003; ExAC 0.00015; ESP Exome Variant Server 0.00038; gnomAD 0.00042; TOPMed 0.00051; 1000 Genomes Project 0.00060; 1000 Genomes Project 30x 0.00062.
gnomAD v4.1: 110 of 1,614,004 alleles (0.0068%); highest among the groups gnomAD compares: African/African-American, 0.14%; no homozygotes.

Submissions (3):

Labcorp Genetics (formerly Invitae), Labcorp
Classification: Uncertain significance. Last evaluated: 2024-04-01. Review status: criteria provided, single submitter. Criteria: Invitae Variant Classification Sherloc (09022015). Collection method: clinical testing. Allele origin: germline.
Comment: This sequence change replaces asparagine, which is neutral and polar, with isoleucine, which is neutral and non-polar, at codon 603 of the CDK5RAP2 protein (p.Asn603Ile). This variant is present in population databases (rs144564533, gnomAD 0.2%). This variant has not been reported in the literature in individuals affected with CDK5RAP2-related conditions. ClinVar contains an entry for this variant (Variation ID: 2175876). An algorithm developed to predict the effect of missense changes on protein structure and function (PolyPhen-2) suggests that this variant is likely to be disruptive. In summary, the available evidence is currently insufficient to determine the role of this variant in disease. Therefore, it has been classified as a Variant of Uncertain Significance.

GeneDx
Classification: Uncertain significance. Last evaluated: 2024-01-09. Review status: criteria provided, single submitter. Criteria: GeneDx Variant Classification Process June 2021. Collection method: clinical testing. Allele origin: germline. Affected: yes.
Comment: In silico analysis supports that this missense variant has a deleterious effect on protein structure/function; Has not been previously published as pathogenic or benign to our knowledge

PreventionGenetics, part of Exact Sciences
Classification: Likely benign for CDK5RAP2-related condition. Last evaluated: 2022-07-14. Review status: no assertion criteria provided. Collection method: clinical testing. Allele origin: germline. Not counted in ClinVar's aggregate classification.
Comment: This variant is classified as likely benign based on ACMG/AMP sequence variant interpretation guidelines (Richards et al. 2015 PMID: 25741868, with internal and published modifications).

NM_018249.6(CDK5RAP2):c.1808A>T (p.Asn603Ile)

Gene: CDK5RAP2 (CDK5 regulatory subunit associated protein 2; minus strand). Cytogenetic location: 9q33.2.
Variant type: single nucleotide variant.
Coding change: c.1808A>T on transcript NM_018249.6 (MANE Select); coding-DNA position 1808, A replaced by T.
Protein change: p.Asn603Ile; replaces asparagine 603 with isoleucine.
Molecular consequence: missense variant. On other transcripts: non-coding transcript variant (5).
Genome position (GRCh38, 1-based): chr9:120,471,798, T>A on the plus strand (A>T on the coding strand, the complement: CDK5RAP2 is on the minus strand). VCF-style: chr9-120471798-T-A. GRCh37 (hg19) VCF-style: chr9-123234076-T-A.
Other names: c.1808A>T, p.Asn603Ile (NM_001011649.3, NM_001272039.2, NM_001410992.1 and 2 more transcripts); c.1808A>T (NM_018249.5, NM_018249.4); short protein forms N603I.
Identifiers: ClinVar variation 2175876 (VCV002175876.5), dbSNP rs144564533, ClinGen allele CA5214273.